The following is an entry in ClinVar:

ClinVar aggregate classification (germline): Pathogenic (1 of 4 stars; one submission).

Conditions:
Ehlers-Danlos syndrome, classic type, 1 (EDSCL1). Also called: EHLERS-DANLOS SYNDROME, GRAVIS TYPE; EHLERS-DANLOS SYNDROME, SEVERE CLASSIC TYPE; Ehlers-Danlos syndrome, type 1; Ehlers-Danlos Syndrome, Classic Type, COL5A1-Related; EDS I. Identifiers: MedGen C0268335, MONDO:0019567, OMIM 130000.

Submission:

Department of Clinical Genetics, Copenhagen University Hospital, Rigshospitalet
Classification: Pathogenic for Ehlers-Danlos syndrome, classic type, 1. Last evaluated: 2024-09-11. Review status: criteria provided, single submitter. Criteria: ACMG Guidelines, 2015. Collection method: clinical testing. Allele origin: germline.
Comment: PVS1_VStr, PM2_M, PP4_Sup

NM_000093.5(COL5A1):c.4688dup (p.Gly1564fs)

Genes: COL5A1 (collagen type V alpha 1 chain; plus strand), LOC101448202 (uncharacterized LOC101448202; minus strand). Cytogenetic location: 9q34.3.
Variant type: Duplication.
Coding change: c.4688dup on transcript NM_000093.5 (MANE Select); coding-DNA position 4688, one base duplicated (C; older notation c.4688dupC).
Protein change: p.Gly1564fs; shifts the reading frame from glycine 1564.
Molecular consequence: frameshift variant.
Genome position (GRCh38, 1-based): chr9:134,823,459, C duplicated; the last of 5 consecutive C bases (chr9:134,823,455-134,823,459); duplicating any one gives the same sequence. VCF-style (leftmost placement, unchanged base first): chr9-134823454-A-AC. GRCh37 (hg19) VCF-style: chr9-137715300-A-AC.
Other names: c.4688dup, p.Gly1564fs (NM_001278074.1); c.4688dupC (NM_000093.5); short protein forms G1564fs.
Identifiers: ClinVar variation 3899269 (VCV003899269.1).